The following is an entry in ClinVar:

NM_001848.3(COL6A1):c.1285G>A (p.Glu429Lys)

Gene: COL6A1 (collagen type VI alpha 1 chain; plus strand). Cytogenetic location: 21q22.3.
Variant type: single nucleotide variant.
Coding change: c.1285G>A on transcript NM_001848.3 (MANE Select); coding-DNA position 1285, G replaced by A.
Protein change: p.Glu429Lys; replaces glutamic acid 429 with lysine.
Molecular consequence: missense variant.
Genome position (GRCh38, 1-based): chr21:45,992,760, G>A. VCF-style: chr21-45992760-G-A. GRCh37 (hg19) VCF-style: chr21-47412674-G-A.
Other names: short protein forms E429K.
Identifiers: ClinVar variation 500807 (VCV000500807.6), dbSNP rs755151758, ClinGen allele CA10070226.
Genomic context (GRCh38, chr21:45,992,760, plus strand): 5'-GTGAGTTCCAGCAGCTGAGGCTTCTCCCCTCCATGTCTCTCCACTCAGGGTGGCCCTGGA[G>A]AGAGAGGACCACGGGGGACCCCAGGCACGCGGGGACCAAGAGGAGACCCTGTGAGTCACA-3'
Protein context (NP_001839.2, residues 419-439): GAPGERGGPG[Glu429Lys]RGPRGTPGTR

ClinVar aggregate classification (germline): Uncertain significance. Review status: criteria provided, multiple submitters, no conflicts (2 of 4 stars). 2 submissions from 2 submitters: Uncertain significance (2). Last evaluated 2025-08-09.

Conditions:
Bethlem myopathy 1A. Also called: MYOPATHY, BENIGN CONGENITAL, WITH CONTRACTURES; Bethlem myopathy 1; Bethlem Muscular Dystrophy. Identifiers: Orphanet 610, MedGen CN029274, MONDO:0024530, OMIM 158810.

Allele frequency attached by ClinVar (database versions not stated): ExAC 0.00002.

Submissions (2):

3billion
Classification: Uncertain significance for Bethlem myopathy 1A. Last evaluated: 2025-08-09. Review status: criteria provided, single submitter. Criteria: ACMG Guidelines, 2015. Collection method: clinical testing. Allele origin: germline. Affected: yes.
Comment: The variant is not observed in the gnomAD v4.1.0 dataset. Predicted Consequence/Location: Missense variant In silico tool predictions suggest damaging effect of the variant on gene or gene product [REVEL: 0.67 (>=0.6, sensitivity 0.68 and specificity 0.92)]. The variant has been reported as of uncertain significance (ClinVar ID: VCV000500807). Different missense changes at the same codon have been reported as of uncertain significance (ClinVar ID: VCV002158231). Therefore, this variant is classified as VUS according to the recommendation of ACMG/AMP guideline.

Eurofins Ntd Llc (ga)
Classification: Uncertain significance. Last evaluated: 2017-03-14. Review status: criteria provided, single submitter. Criteria: EGL Classification Definitions 2015. Collection method: clinical testing. Allele origin: germline. Observed: 1 variant allele, 1 heterozygote.